The following is an entry in ClinVar:

ClinVar aggregate classification (germline): Uncertain significance. Review status: reviewed by expert panel (3 of 4 stars). 5 submissions from 5 submitters: Uncertain significance (1). 4 of the submissions do not count toward it. Last evaluated 2026-06-15.

Conditions:
Galactosemia. Also called: Galactose intolerance. Identifiers: Orphanet 352, MedGen C0016952, MONDO:0018116, HP:0004919. Disease mechanism: loss of function.
Deficiency of UDPglucose-hexose-1-phosphate uridylyltransferase. Also called: GALACTOSE-1-PHOSPHATE URIDYLYLTRANSFERASE DEFICIENCY; Transferase Deficiency Galactosemia; GALACTOSEMIA I; GALT deficiency; Galactosemia, classic. Identifiers: Orphanet 352, Orphanet 79239, MedGen C0268151, MONDO:0009258, OMIM 230400.

Submissions (5):

Clingen Galactosemia Variant Curation Expert Panel, ClinGen
Classification: Uncertain significance for Galactosemia. Last evaluated: 2026-06-15. Review status: reviewed by expert panel. Criteria: ClinGen Galactosemia ACMG Specifications GALT V1.1. Collection method: curation. Allele origin: germline. Inheritance: Autosomal recessive inheritance.
Comment: The c.134C>T (p.Ser45Leu) variant in GALT is a missense variant predicted to cause substitution of Serine by Leucine at amino acid 45 (p.Ser45Leu). This variant is absent from gnomAD v4.1.0 (PM2_Supporting). The computational predictor REVEL gives a score of 0.99, which is equal to or above the threshold of 0.7, evidence that correlates with impact to GALT function (PP3). At least one patient with this variant displayed undetectable GALT activity, which is highly specific for galactosemia (PP4_moderate, PMID 10399107). This variant has been detected in at least 1 individual with galactosemia who was assumed to be compound heterozygous for the variant and a pathogenic variant (PM3 points=0.5, PMID 10399107) (PM3_supporting) In summary, this variant meets the criteria to be classified as VARIANT OF UNCERTAIN SIGNIFICANCE for galactosemia based on the ACMG/AMP criteria applied, as specified by the ClinGen Galactosemia VCEP: GALT specifications v1.0.0 PM2_supporting, PP3, PM3_supporting

Fulgent Genetics
Classification: Likely pathogenic for Deficiency of UDPglucose-hexose-1-phosphate uridylyltransferase. Last evaluated: 2024-04-24. Review status: criteria provided, single submitter. Criteria: ACMG Guidelines, 2015. Collection method: clinical testing. Allele origin: germline. Not counted in ClinVar's aggregate classification.

Women's Health and Genetics/Laboratory Corporation of America, LabCorp
Classification: Uncertain significance. Last evaluated: 2024-04-19. Review status: criteria provided, single submitter. Criteria: LabCorp Variant Classification Summary - May 2015. Collection method: clinical testing. Allele origin: germline. Not counted in ClinVar's aggregate classification.
Comment: Variant summary: GALT c.134C>T (p.Ser45Leu) results in a non-conservative amino acid change located in the Galactose-1-phosphate uridyl transferase, N-terminal domain (PF01087) of the encoded protein sequence. Five of five in-silico tools predict a damaging effect of the variant on protein function. The variant was absent in 251428 control chromosomes. The available data on variant occurrences in the general population are insufficient to allow any conclusion about variant significance. c.134C>T has been reported in the literature in an individual affected with Galactosemia (example: Zekanowski_1999). These data do not allow any conclusion about variant significance. To our knowledge, no experimental evidence demonstrating an impact on protein function has been reported. The following publications have been ascertained in the context of this evaluation (PMID: 34030713, 10399107). ClinVar contains an entry for this variant (Variation ID: 25132). Based on the evidence outlined above, the variant was classified as uncertain significance.

Labcorp Genetics (formerly Invitae), Labcorp
Classification: Likely pathogenic for Deficiency of UDPglucose-hexose-1-phosphate uridylyltransferase. Last evaluated: 2021-10-21. Review status: criteria provided, single submitter. Criteria: Invitae Variant Classification Sherloc (09022015). Collection method: clinical testing. Allele origin: germline. Not counted in ClinVar's aggregate classification.
Comment: This sequence change replaces serine with leucine at codon 45 of the GALT protein (p.Ser45Leu). The serine residue is moderately conserved and there is a large physicochemical difference between serine and leucine. This variant is not present in population databases (ExAC no frequency). This missense change has been observed in individual(s) with classic galactosemia (PMID: 10399107). ClinVar contains an entry for this variant (Variation ID: 25132). Advanced modeling of protein sequence and biophysical properties (such as structural, functional, and spatial information, amino acid conservation, physicochemical variation, residue mobility, and thermodynamic stability) performed at Invitae indicates that this missense variant is expected to disrupt GALT protein function. In summary, the currently available evidence indicates that the variant is pathogenic, but additional data are needed to prove that conclusively. Therefore, this variant has been classified as Likely Pathogenic.

Eurofins Ntd Llc (ga)
Classification: Uncertain significance. Last evaluated: 2015-09-18. Review status: criteria provided, single submitter. Criteria: EGL Classification Definitions 2015. Collection method: clinical testing. Allele origin: germline. Observed: 1 variant allele, 1 heterozygote. Not counted in ClinVar's aggregate classification.

Literature cited by the submitters: PubMed 10399107 (cited by Women's Health and Genetics/Laboratory Corporation of America, LabCorp and Labcorp Genetics (formerly Invitae), Labcorp); PubMed 34030713 (cited by Women's Health and Genetics/Laboratory Corporation of America, LabCorp).

NM_000155.4(GALT):c.134C>T (p.Ser45Leu)

Genes: GALT (galactose-1-phosphate uridylyltransferase; plus strand), LOC130001683 (ATAC-STARR-seq lymphoblastoid active region 28314; plus strand). Cytogenetic location: 9p13.3.
Variant type: single nucleotide variant.
Coding change: c.134C>T on transcript NM_000155.4 (MANE Select); coding-DNA position 134, C replaced by T.
Protein change: p.Ser45Leu; replaces serine 45 with leucine.
Molecular consequence: missense variant. On other transcripts: 5 prime UTR variant (1).
Genome position (GRCh38, 1-based): chr9:34,647,140, C>T. VCF-style: chr9-34647140-C-T. GRCh37 (hg19) VCF-style: chr9-34647137-C-T.
Other names: NM_000155.4(GALT):c.134C>T; c.-69C>T (NM_001258332.2).
Identifiers: ClinVar variation 25132 (VCV000025132.15), dbSNP rs111033652, ClinGen allele CA220416.